The following is an entry in ClinVar:

NM_006289.4(TLN1):c.3121-3T>C

Gene: TLN1 (talin 1; minus strand). Cytogenetic location: 9p13.3.
Variant type: single nucleotide variant.
Coding change: c.3121-3T>C on transcript NM_006289.4 (MANE Select); 3 bases into the intron before coding-DNA position 3121, T replaced by C.
Molecular consequence: intron variant.
Genome position (GRCh38, 1-based): chr9:35,714,084, A>G on the plus strand (T>C on the coding strand, the complement: TLN1 is on the minus strand). VCF-style: chr9-35714084-A-G. GRCh37 (hg19) VCF-style: chr9-35714081-A-G.
Identifiers: ClinVar variation 4977833 (VCV004977833.1).

ClinVar aggregate classification (germline): Likely benign (1 of 4 stars; one submission).

Conditions:
TLN1-related disorder. Also called: TLN1-related condition.

gnomAD v4.1: 377 of 1,613,956 alleles (0.023%); highest among the groups gnomAD compares: African/African-American, 0.42%; 3 homozygotes.

Submission:

PreventionGenetics, part of Exact Sciences
Classification: Likely benign for TLN1-related condition. Last evaluated: 2024-10-29. Review status: criteria provided, single submitter. Criteria: ACMG Guidelines, 2015. Collection method: clinical testing. Allele origin: germline.
Comment: This variant is classified as likely benign based on ACMG/AMP sequence variant interpretation guidelines (Richards et al. 2015 PMID: 25741868, with internal and published modifications).